The following is an entry in ClinVar:

NM_012418.4(FSCN2):c.200G>A (p.Arg67His)

Gene: FSCN2 (fascin actin-bundling protein 2, retinal; plus strand). Cytogenetic location: 17q25.3.
Variant type: single nucleotide variant.
Coding change: c.200G>A on transcript NM_012418.4 (MANE Select); coding-DNA position 200, G replaced by A.
Protein change: p.Arg67His; replaces arginine 67 with histidine.
Molecular consequence: missense variant.
Genome position (GRCh38, 1-based): chr17:81,528,731, G>A. VCF-style: chr17-81528731-G-A. GRCh37 (hg19) VCF-style: chr17-79495757-G-A.
Other names: c.200G>A, p.Arg67His (NM_001077182.3); short protein forms R67H.
Identifiers: ClinVar variation 1061115 (VCV001061115.7), dbSNP rs781957680, ClinGen allele CA8836608.

ClinVar aggregate classification (germline): Uncertain significance (1 of 4 stars; one submission).

Allele frequency attached by ClinVar (database versions not stated): TOPMed below 0.00001; gnomAD exomes 0.00001 and 0.00002; ExAC 0.00007.
gnomAD v4.1: 18 of 1,594,604 alleles (0.0011%); highest among the groups gnomAD compares: East Asian, 0.011%; no homozygotes.

Submission:

Labcorp Genetics (formerly Invitae), Labcorp
Classification: Uncertain significance. Last evaluated: 2024-09-21. Review status: criteria provided, single submitter. Criteria: Invitae Variant Classification Sherloc (09022015). Collection method: clinical testing. Allele origin: germline.
Comment: This sequence change replaces arginine, which is basic and polar, with histidine, which is basic and polar, at codon 67 of the FSCN2 protein (p.Arg67His). The frequency data for this variant in the population databases is considered unreliable, as metrics indicate poor data quality at this position in the gnomAD database. This variant has not been reported in the literature in individuals affected with FSCN2-related conditions. ClinVar contains an entry for this variant (Variation ID: 1061115). An algorithm developed to predict the effect of missense changes on protein structure and function (PolyPhen-2) suggests that this variant is likely to be disruptive. In summary, the available evidence is currently insufficient to determine the role of this variant in disease. Therefore, it has been classified as a Variant of Uncertain Significance.